The following is an entry in ClinVar:

ClinVar aggregate classification (germline): Likely benign. Review status: criteria provided, multiple submitters, no conflicts (2 of 4 stars). 2 submissions from 2 submitters: Likely benign (2). Last evaluated 2025-11-25.

Conditions:
Cardiovascular phenotype. Identifiers: MedGen CN230736.

gnomAD v4.1: 3 of 1,345,124 alleles (0.00022%); highest among the groups gnomAD compares: Non-Finnish European, 0.0003%; no homozygotes.

Submissions (2):

Women's Health and Genetics/Laboratory Corporation of America, LabCorp
Classification: Likely benign. Last evaluated: 2025-11-25. Review status: criteria provided, single submitter. Criteria: LabCorp Variant Classification Summary - May 2015. Collection method: clinical testing. Allele origin: germline.
Comment: Variant summary: MYH6 c.5593C>A results in a synonymous change. Consensus agreement among computation tools predict no significant impact on normal splicing. However, these predictions have yet to be confirmed by functional studies. The variant was absent in 251126 control chromosomes. The available data on variant occurrences in the general population are insufficient to allow any conclusion about variant significance. To our knowledge, no occurrence of c.5593C>A in individuals affected with MYH6-related conditions and no experimental evidence demonstrating its impact on protein function have been reported. No submitters have cited clinical-significance assessments for this variant to ClinVar. Based on the evidence outlined above, the variant was classified as likely benign.

Ambry Genetics
Classification: Likely benign for Cardiovascular phenotype. Last evaluated: 2025-10-05. Review status: criteria provided, single submitter. Criteria: Ambry Variant Classification Scheme 2023. Collection method: clinical testing. Allele origin: germline.

NM_002471.4(MYH6):c.5593C>A (p.Arg1865=)

Gene: MYH6 (myosin heavy chain 6; minus strand). Cytogenetic location: 14q11.2.
Variant type: single nucleotide variant.
Coding change: c.5593C>A on transcript NM_002471.4 (MANE Select); coding-DNA position 5593, C replaced by A.
Protein change: p.Arg1865=; no amino-acid change (arginine 1865 retained).
Molecular consequence: synonymous variant.
Genome position (GRCh38, 1-based): chr14:23,383,293, G>T on the plus strand (C>A on the coding strand, the complement: MYH6 is on the minus strand). VCF-style: chr14-23383293-G-T. GRCh37 (hg19) VCF-style: chr14-23852502-G-T.
Identifiers: ClinVar variation 4537218 (VCV004537218.2).
Genomic context (GRCh38, chr14:23,383,293, plus strand): 5'-CGGCCTGGCGCTTGTAGGCCTTGACCTTCAGTTGCAGCTTGTCCACCAGGTCCTGTAGCC[G>T]CAGCAGGTTCTTTTTGTCTTCCTCTGTCTGGGGGTGGGAGGGTGGGAGAAGCTGGTTTGG-3'
Protein context (NP_002462.2, residues 1855-1875): QTEEDKKNLL[Arg1865=]LQDLVDKLQL